The following is an entry in ClinVar:

NM_003476.5(CSRP3):c.113-261C>T

Gene: CSRP3 (cysteine and glycine rich protein 3; minus strand). Cytogenetic location: 11p15.1.
Variant type: single nucleotide variant.
Coding change: c.113-261C>T on transcript NM_003476.5 (MANE Select); 261 bases into the intron before coding-DNA position 113, C replaced by T.
Molecular consequence: intron variant.
Genome position (GRCh38, 1-based): chr11:19,188,565, G>A on the plus strand (C>T on the coding strand, the complement: CSRP3 is on the minus strand). VCF-style: chr11-19188565-G-A. GRCh37 (hg19) VCF-style: chr11-19210112-G-A.
Other names: c.113-2217C>T (NM_001369404.1).
Identifiers: ClinVar variation 683441 (VCV000683441.1), dbSNP rs10766530, ClinGen allele CA13438444.

ClinVar aggregate classification (germline): Benign (1 of 4 stars; one submission).

Allele frequency attached by ClinVar (database versions not stated): TOPMed 0.16129; gnomAD 0.17067 and 0.17163; 1000 Genomes Project 0.17252; 1000 Genomes Project 30x 0.17427.
gnomAD v4.1: 25,798 of 151,156 alleles (17%); highest among the groups gnomAD compares: African/African-American, 21%; 2,334 homozygotes.

Submission:

GeneDx
Classification: Benign. Last evaluated: 2018-06-19. Review status: criteria provided, single submitter. Criteria: GeneDx Variant Classification (06012015). Collection method: clinical testing. Allele origin: germline. Affected: yes.
Comment: This variant is considered likely benign or benign based on one or more of the following criteria: it is a conservative change, it occurs at a poorly conserved position in the protein, it is predicted to be benign by multiple in silico algorithms, and/or has population frequency not consistent with disease.